The following is an entry in ClinVar:

ClinVar aggregate classification (germline): Uncertain significance. Review status: criteria provided, multiple submitters, no conflicts (2 of 4 stars). 2 submissions from 2 submitters: Uncertain significance (2). Last evaluated 2024-01-13.

Conditions:
Hereditary cancer-predisposing syndrome. Also called: Neoplastic Syndromes, Hereditary; Tumor predisposition; Hereditary Cancer Syndrome; Hereditary neoplastic syndrome. Identifiers: Orphanet 140162, MedGen C0027672, MeSH D009386, MONDO:0015356.
Familial cancer of breast. Also called: hereditary breast carcinoma; BREAST CANCER, FAMILIAL; Hereditary breast cancer. Identifiers: Orphanet 227535, MedGen C0346153, MONDO:0016419, OMIM 114480. Disease mechanism: loss of function.

Allele frequency attached by ClinVar (database versions not stated): gnomAD exomes below 0.00001.
gnomAD v4.1: 1 of 1,613,906 alleles (0.000062%); highest among the groups gnomAD compares: Non-Finnish European, 0.000085%; no homozygotes.

Submissions (2):

Labcorp Genetics (formerly Invitae), Labcorp
Classification: Uncertain significance for Familial cancer of breast. Last evaluated: 2024-01-13. Review status: criteria provided, single submitter. Criteria: Invitae Variant Classification Sherloc (09022015). Collection method: clinical testing. Allele origin: germline.
Comment: This sequence change replaces methionine, which is neutral and non-polar, with leucine, which is neutral and non-polar, at codon 296 of the PALB2 protein (p.Met296Leu). This variant is not present in population databases (gnomAD no frequency). This variant has not been reported in the literature in individuals affected with PALB2-related conditions. ClinVar contains an entry for this variant (Variation ID: 1764939). Advanced modeling of protein sequence and biophysical properties (such as structural, functional, and spatial information, amino acid conservation, physicochemical variation, residue mobility, and thermodynamic stability) performed at Invitae indicates that this missense variant is not expected to disrupt PALB2 protein function with a negative predictive value of 80%. In summary, the available evidence is currently insufficient to determine the role of this variant in disease. Therefore, it has been classified as a Variant of Uncertain Significance.

Ambry Genetics
Classification: Uncertain significance for Hereditary cancer-predisposing syndrome. Last evaluated: 2021-11-05. Review status: criteria provided, single submitter. Criteria: Ambry Variant Classification Scheme 2023. Collection method: clinical testing. Allele origin: germline.
Comment: The p.M296L variant (also known as c.886A>T), located in coding exon 4 of the PALB2 gene, results from an A to T substitution at nucleotide position 886. The methionine at codon 296 is replaced by leucine, an amino acid with highly similar properties. This amino acid position is not well conserved in available vertebrate species. In addition, this alteration is predicted to be tolerated by in silico analysis. Since supporting evidence is limited at this time, the clinical significance of this alteration remains unclear.

NM_024675.4(PALB2):c.886A>T (p.Met296Leu)

Gene: PALB2 (partner and localizer of BRCA2; minus strand). Cytogenetic location: 16p12.2.
Variant type: single nucleotide variant.
Coding change: c.886A>T on transcript NM_024675.4 (MANE Select); coding-DNA position 886, A replaced by T.
Protein change: p.Met296Leu; replaces methionine 296 with leucine.
Molecular consequence: missense variant.
Genome position (GRCh38, 1-based): chr16:23,635,660, T>A on the plus strand (A>T on the coding strand, the complement: PALB2 is on the minus strand). VCF-style: chr16-23635660-T-A. GRCh37 (hg19) VCF-style: chr16-23646981-T-A.
Other names: c.826A>T, p.Met276Leu (NM_001407296.1); c.886A>T, p.Met296Leu (NM_001407297.1, NM_001407298.1, NM_001407299.1 and 3 more transcripts); c.1A>T, p.Met1Leu (NM_001407304.1, NM_001407305.1, NM_001407306.1 and 5 more transcripts); short protein forms M1L, M276L, M296L.
Identifiers: ClinVar variation 1764939 (VCV001764939.5), dbSNP rs2142432039, ClinGen allele CA395135693.